The following is an entry in ClinVar:

ClinVar aggregate classification (germline): Uncertain significance. Review status: criteria provided, multiple submitters, no conflicts (2 of 4 stars). 2 submissions from 2 submitters: Uncertain significance (2). Last evaluated 2025-03-27.

Conditions:
HLTF-related disorder. Also called: HLTF-related condition.

Allele frequency attached by ClinVar (database versions not stated): gnomAD 0.00014; 1000 Genomes Project 30x 0.00016; TOPMed 0.00018; 1000 Genomes Project 0.00020; gnomAD exomes 0.00021; ESP Exome Variant Server 0.00023; ExAC 0.00031.
gnomAD v4.1: 323 of 1,599,276 alleles (0.02%); highest among the groups gnomAD compares: South Asian, 0.1%; 2 homozygotes.

Submissions (2):

Ambry Genetics
Classification: Uncertain significance. Last evaluated: 2025-03-27. Review status: criteria provided, single submitter. Criteria: Ambry Variant Classification Scheme 2023. Collection method: clinical testing. Allele origin: germline.

PreventionGenetics, part of Exact Sciences
Classification: Uncertain significance for HLTF-related condition. Last evaluated: 2023-07-19. Review status: criteria provided, single submitter. Criteria: ACMG Guidelines, 2015. Collection method: clinical testing. Allele origin: germline.
Comment: The HLTF c.1019A>C variant is predicted to result in the amino acid substitution p.Lys340Thr. To our knowledge, this variant has not been reported in the literature. This variant is reported in 0.092% of alleles in individuals of South Asian descent in gnomAD. Although we suspect that this variant may be benign, at this time, the clinical significance of this variant is uncertain due to the absence of conclusive functional and genetic evidence.

NM_003071.4(HLTF):c.1019A>C (p.Lys340Thr)

Gene: HLTF (helicase like transcription factor; minus strand). Cytogenetic location: 3q24.
Variant type: single nucleotide variant.
Coding change: c.1019A>C on transcript NM_003071.4 (MANE Select); coding-DNA position 1019, A replaced by C.
Protein change: p.Lys340Thr; replaces lysine 340 with threonine.
Molecular consequence: missense variant.
Genome position (GRCh38, 1-based): chr3:149,064,838, T>G on the plus strand (A>C on the coding strand, the complement: HLTF is on the minus strand). VCF-style: chr3-149064838-T-G. GRCh37 (hg19) VCF-style: chr3-148782625-T-G.
Other names: c.1019A>C, p.Lys340Thr (NM_001318934.2, NM_001318935.2, NM_139048.3); c.1019A>C (NM_001318935.1); short protein forms K340T.
Identifiers: ClinVar variation 2456084 (VCV002456084.4), dbSNP rs61761956, ClinGen allele CA2659390.
Genomic context (GRCh38, chr3:149,064,838, plus strand): 5'-AATTAGCATTTACCTTTGCTTAGTCCATCTGCCTTTTCACTGGTATTGTTTCCTCCAAGT[T>G]TCATAGAGTCATCGTTAACATTATATTCCTGGGTAAATAGGCATATTTCTTAAACAGTAC-3'
Protein context (NP_003062.2, residues 330-350): KEYNVNDDSM[Lys340Thr]LGGNNTSEKA